The following is an entry in ClinVar:

NM_001330311.2(DVL1):c.34G>A (p.Glu12Lys)

Gene: DVL1 (dishevelled segment polarity protein 1; minus strand). Cytogenetic location: 1p36.33.
Variant type: single nucleotide variant.
Coding change: c.34G>A on transcript NM_001330311.2 (MANE Select); coding-DNA position 34, G replaced by A.
Protein change: p.Glu12Lys; replaces glutamic acid 12 with lysine.
Molecular consequence: missense variant.
Genome position (GRCh38, 1-based): chr1:1,349,032, C>T on the plus strand (G>A on the coding strand, the complement: DVL1 is on the minus strand). VCF-style: chr1-1349032-C-T. GRCh37 (hg19) VCF-style: chr1-1284412-C-T.
Other names: c.34G>A, p.Glu12Lys (NM_004421.3); short protein forms E12K.
Identifiers: ClinVar variation 1509234 (VCV001509234.6), dbSNP rs1441825655, ClinGen allele CA337879786.

ClinVar aggregate classification (germline): Uncertain significance (1 of 4 stars; one submission).

Allele frequency attached by ClinVar (database versions not stated): gnomAD exomes below 0.00001.
gnomAD v4.1: 4 of 1,560,250 alleles (0.00026%); highest among the groups gnomAD compares: South Asian, 0.0022%; no homozygotes.

Submission:

Labcorp Genetics (formerly Invitae), Labcorp
Classification: Uncertain significance. Last evaluated: 2022-07-05. Review status: criteria provided, single submitter. Criteria: Invitae Variant Classification Sherloc (09022015). Collection method: clinical testing. Allele origin: germline.
Comment: This sequence change replaces glutamic acid, which is acidic and polar, with lysine, which is basic and polar, at codon 12 of the DVL1 protein (p.Glu12Lys). The frequency data for this variant in the population databases is considered unreliable, as metrics indicate poor data quality at this position in the gnomAD database. This variant has not been reported in the literature in individuals affected with DVL1-related conditions. ClinVar contains an entry for this variant (Variation ID: 1509234). Algorithms developed to predict the effect of missense changes on protein structure and function are either unavailable or do not agree on the potential impact of this missense change (SIFT: "Tolerated"; PolyPhen-2: "Possibly Damaging"; Align-GVGD: "Class C0"). In summary, the available evidence is currently insufficient to determine the role of this variant in disease. Therefore, it has been classified as a Variant of Uncertain Significance.